The following is an entry in ClinVar:

NM_000051.4(ATM):c.5763-20_5763-18del

Genes: C11orf65 (chromosome 11 open reading frame 65; minus strand), ATM (ATM serine/threonine kinase; plus strand). Cytogenetic location: 11q22.3.
Variant type: Deletion.
Coding change: c.5763-20_5763-18del on transcript NM_000051.4 (MANE Select); 20 bases into the intron before coding-DNA position 5763 through 18 bases into the intron before coding-DNA position 5763, 3 bases deleted (TAT; older notation c.5763-20_5763-18delTAT).
Molecular consequence: intron variant.
Genome position (GRCh38, 1-based): chr11:108,310,140-108,310,142, TAT deleted; deleting any 3 consecutive bases within chr11:108,310,138-108,310,142 gives the same sequence; the c. name uses the placement nearest the transcript's 3' end. VCF-style (leftmost placement, unchanged base first): chr11-108310137-CATT-C. GRCh37 (hg19) VCF-style: chr11-108180864-CATT-C.
Other names: c.5763-20_5763-18del (NM_001351834.2); c.641-1069_641-1067del (NM_001330368.2); c.*39-1069_*39-1067del (NM_001351110.2).
Identifiers: ClinVar variation 923794 (VCV000923794.12), dbSNP rs777468149, ClinGen allele CA6265780.
Genomic context (GRCh38, chr11:108,310,137, plus strand): 5'-CCATTGTATTCTATATCAACATGCTTTTATTTTGATATTGAAGTTTAAAAAAGTGAATGA[CATT>C]ATATCTCATTTTTCTTTAGACCTTCTTCAGGAACAATTTTTAATGATGCTTTCTGGCTGG-3'

ClinVar aggregate classification (germline): Likely benign. Review status: criteria provided, multiple submitters, no conflicts (2 of 4 stars). 3 submissions from 3 submitters: Likely benign (3). Last evaluated 2025-10-23.

Conditions:
Hereditary cancer-predisposing syndrome. Also called: Tumor predisposition; Neoplastic Syndromes, Hereditary; Hereditary neoplastic syndrome; Hereditary Cancer Syndrome. Identifiers: Orphanet 140162, MedGen C0027672, MeSH D009386, MONDO:0015356.
Familial cancer of breast. Also called: Hereditary breast cancer; hereditary breast carcinoma; BREAST CANCER, FAMILIAL. Identifiers: Orphanet 227535, MedGen C0346153, MONDO:0016419, OMIM 114480. Disease mechanism: loss of function.
Ataxia-telangiectasia syndrome (AT). Also called: Ataxia-telangiectasia, complementation group D; AT, COMPLEMENTATION GROUP C; ATAXIA-TELANGIECTASIA, COMPLEMENTATION GROUP A; ATAXIA-TELANGIECTASIA, FRESNO VARIANT; Ataxia-telangiectasia; Ataxia telangiectasia (A-T). Identifiers: Orphanet 100, MedGen C0004135, MONDO:0008840, OMIM 208900.

Submissions (3):

Labcorp Genetics (formerly Invitae), Labcorp
Classification: Likely benign for Ataxia-telangiectasia syndrome. Last evaluated: 2025-10-23. Review status: criteria provided, single submitter. Criteria: Invitae Variant Classification Sherloc (09022015). Collection method: clinical testing. Allele origin: germline.

Myriad Genetics, Inc.
Classification: Likely benign for Familial cancer of breast. Last evaluated: 2024-05-24. Review status: criteria provided, single submitter. Criteria: Myriad Autosomal Dominant, Autosomal Recessive and X-Linked Classification Criteria (2023). Collection method: clinical testing. Allele origin: unknown.
Comment: This variant is considered likely benign. This variant is intronic and is not expected to impact mRNA splicing.

Color Diagnostics, LLC DBA Color Health
Classification: Likely benign for Hereditary cancer-predisposing syndrome. Last evaluated: 2019-01-11. Review status: criteria provided, single submitter. Criteria: ACMG Guidelines, 2015. Collection method: clinical testing. Allele origin: germline.